The following is an entry in ClinVar:

NM_000368.5(TSC1):c.2668A>G (p.Lys890Glu)

Gene: TSC1 (TSC complex subunit 1; minus strand). Cytogenetic location: 9q34.13.
Variant type: single nucleotide variant.
Coding change: c.2668A>G on transcript NM_000368.5 (MANE Select); coding-DNA position 2668, A replaced by G.
Protein change: p.Lys890Glu; replaces lysine 890 with glutamic acid.
Molecular consequence: missense variant.
Genome position (GRCh38, 1-based): chr9:132,897,568, T>C on the plus strand (A>G on the coding strand, the complement: TSC1 is on the minus strand). VCF-style: chr9-132897568-T-C. GRCh37 (hg19) VCF-style: chr9-135772955-T-C.
Other names: c.2665A>G, p.Lys889Glu (NM_001162426.2); c.2515A>G, p.Lys839Glu (NM_001162427.2); c.2305A>G, p.Lys769Glu (NM_001362177.2); short protein forms K769E, K890E, K839E, K889E.
Identifiers: ClinVar variation 1461700 (VCV001461700.8), dbSNP rs543892243, ClinGen allele CA200926746.

ClinVar aggregate classification (germline): Uncertain significance. Review status: criteria provided, multiple submitters, no conflicts (2 of 4 stars). 2 submissions from 2 submitters: Uncertain significance (2). Last evaluated 2023-04-06.

Conditions:
Hereditary cancer-predisposing syndrome. Also called: Neoplastic Syndromes, Hereditary; Hereditary Cancer Syndrome; Tumor predisposition; Hereditary neoplastic syndrome. Identifiers: Orphanet 140162, MedGen C0027672, MeSH D009386, MONDO:0015356.
Tuberous sclerosis 1 (TSC1). Identifiers: Orphanet 805, MedGen C1854465, MONDO:0008612, OMIM 191100.

Allele frequency attached by ClinVar (database versions not stated): gnomAD 0.00001; 1000 Genomes Project 30x 0.00016; 1000 Genomes Project 0.00020.
gnomAD v4.1: 1 of 1,603,832 alleles (0.000062%); highest among the groups gnomAD compares: South Asian, 0.0011%; no homozygotes.

Submissions (2):

Labcorp Genetics (formerly Invitae), Labcorp
Classification: Uncertain significance for Tuberous sclerosis 1. Last evaluated: 2023-04-06. Review status: criteria provided, single submitter. Criteria: Invitae Variant Classification Sherloc (09022015). Collection method: clinical testing. Allele origin: germline.
Comment: This sequence change replaces lysine, which is basic and polar, with glutamic acid, which is acidic and polar, at codon 890 of the TSC1 protein (p.Lys890Glu). This variant is not present in population databases (gnomAD no frequency). This variant has not been reported in the literature in individuals affected with TSC1-related conditions. ClinVar contains an entry for this variant (Variation ID: 1461700). Advanced modeling of protein sequence and biophysical properties (such as structural, functional, and spatial information, amino acid conservation, physicochemical variation, residue mobility, and thermodynamic stability) performed at Invitae indicates that this missense variant is not expected to disrupt TSC1 protein function. In summary, the available evidence is currently insufficient to determine the role of this variant in disease. Therefore, it has been classified as a Variant of Uncertain Significance.

Ambry Genetics
Classification: Uncertain significance for Hereditary cancer-predisposing syndrome. Last evaluated: 2022-01-31. Review status: criteria provided, single submitter. Criteria: Ambry Variant Classification Scheme 2023. Collection method: clinical testing. Allele origin: germline.
Comment: The p.K890E variant (also known as c.2668A>G), located in coding exon 19 of the TSC1 gene, results from an A to G substitution at nucleotide position 2668. The lysine at codon 890 is replaced by glutamic acid, an amino acid with similar properties. This amino acid position is well conserved in available vertebrate species. In addition, the in silico prediction for this alteration is inconclusive. Since supporting evidence is limited at this time, the clinical significance of this alteration remains unclear.